The following is an entry in ClinVar:

NM_022901.3(LRRC19):c.811G>A (p.Ala271Thr)

Genes: IFT74 (intraflagellar transport 74; plus strand), LRRC19 (leucine rich repeat containing 19; minus strand). Cytogenetic location: 9p21.2.
Variant type: single nucleotide variant.
Coding change: c.811G>A on transcript NM_022901.3 (MANE Select); coding-DNA position 811, G replaced by A.
Protein change: p.Ala271Thr; replaces alanine 271 with threonine.
Molecular consequence: missense variant. On other transcripts: intron variant (5).
Genome position (GRCh38, 1-based): chr9:26,995,823, C>T on the plus strand (G>A on the coding strand, the complement: LRRC19 is on the minus strand). VCF-style: chr9-26995823-C-T. GRCh37 (hg19) VCF-style: chr9-26995821-C-T.
Other names: c.587+5628C>T (NM_001099223.3, NM_001099222.3, NM_001349928.2 and 2 more transcripts); short protein forms A271T.
Identifiers: ClinVar variation 3770463 (VCV003770463.13).

ClinVar aggregate classification (germline): Likely benign (1 of 4 stars; one submission).

gnomAD v4.1: 5,796 of 1,603,478 alleles (0.36%); highest among the groups gnomAD compares: Non-Finnish European, 0.34%; 19 homozygotes.

Submission:

CeGaT Center for Human Genetics Tuebingen
Classification: Likely benign. Last evaluated: 2025-01-01. Review status: criteria provided, single submitter. Criteria: CeGaT Center For Human Genetics Tuebingen Variant Classification Criteria Version 2. Collection method: clinical testing. Allele origin: germline. Affected: yes. Observed: 1 variant allele.
Comment: LRRC19: BP4, BS2